The following is an entry in ClinVar:

ClinVar aggregate classification (germline): Uncertain significance. Review status: criteria provided, multiple submitters, no conflicts (2 of 4 stars). 7 submissions from 7 submitters: Uncertain significance (6). 1 of the submissions does not count toward it. Last evaluated 2026-01-03.

Conditions:
Hereditary spastic paraplegia. Also called: Familial spastic paraparesis. Identifiers: Orphanet 685, MedGen C0037773, MONDO:0019064. Disease mechanism: loss of function.
Spastic paraplegia. Identifiers: MedGen C0037772, HP:0001258.
Hereditary spastic paraplegia 50 (SPG50). Also called: Spastic paraplegia 50, autosomal recessive. Identifiers: Orphanet 280763, MedGen C2752008, MONDO:0013048, OMIM 612936.

Allele frequency attached by ClinVar (database versions not stated): 1000 Genomes Project 30x 0.00016; 1000 Genomes Project 0.00020; gnomAD 0.00020 and 0.00021; TOPMed 0.00020; ExAC 0.00032; gnomAD exomes 0.00033; ESP Exome Variant Server 0.00038.
gnomAD v4.1: 567 of 1,613,738 alleles (0.035%); highest among the groups gnomAD compares: Non-Finnish European, 0.043%; no homozygotes.

Submissions (9):

GeneDx
Classification: Uncertain significance. Last evaluated: 2026-01-03. Review status: criteria provided, single submitter. Criteria: GeneDx Variant Classification Process June 2021. Collection method: clinical testing. Allele origin: germline. Affected: yes.
Comment: In silico analysis suggests that this missense variant does not alter protein structure/function; This variant is associated with the following publications: (PMID: 32979048, 39723768, 31275557)

Blueprint Genetics
Classification: Uncertain significance. Last evaluated: 2024-10-30. Review status: criteria provided, single submitter. Criteria: ACMG Guidelines, 2015. Collection method: clinical testing. Allele origin: germline.

Labcorp Genetics (formerly Invitae), Labcorp
Classification: Uncertain significance for Hereditary spastic paraplegia 50. Last evaluated: 2024-01-25. Review status: criteria provided, single submitter. Criteria: Invitae Variant Classification Sherloc (09022015). Collection method: clinical testing. Allele origin: germline.
Comment: This sequence change replaces arginine, which is basic and polar, with glutamine, which is neutral and polar, at codon 367 of the AP4M1 protein (p.Arg367Gln). This variant is present in population databases (rs139861201, gnomAD 0.05%). This missense change has been observed in individual(s) with hereditary spastic paraplegia (PMID: 32979048). ClinVar contains an entry for this variant (Variation ID: 386884). Advanced modeling of protein sequence and biophysical properties (such as structural, functional, and spatial information, amino acid conservation, physicochemical variation, residue mobility, and thermodynamic stability) performed at Invitae indicates that this missense variant is not expected to disrupt AP4M1 protein function with a negative predictive value of 80%. In summary, the available evidence is currently insufficient to determine the role of this variant in disease. Therefore, it has been classified as a Variant of Uncertain Significance.

CeGaT Center for Human Genetics Tuebingen
Classification: Uncertain significance. Last evaluated: 2021-12-01. Review status: criteria provided, single submitter. Criteria: CeGaT Center For Human Genetics Tuebingen Variant Classification Criteria Version 2. Collection method: clinical testing. Allele origin: germline. Affected: yes. Observed: 1 variant allele.

Genome Diagnostics Laboratory, The Hospital for Sick Children
Classification: Uncertain significance for Hereditary spastic paraplegia. Last evaluated: 2021-11-15. Review status: criteria provided, single submitter. Criteria: ACMG Guidelines, 2015. Collection method: clinical testing. Allele origin: germline. Affected: yes.

Fulgent Genetics
Classification: Uncertain significance for Hereditary spastic paraplegia 50. Last evaluated: 2018-10-31. Review status: criteria provided, single submitter. Criteria: ACMG Guidelines, 2015. Collection method: clinical testing. Allele origin: unknown.

Yale Center for Mendelian Genomics, Yale University
Classification: Likely pathogenic for Spastic paraplegia. Last evaluated: 2020-10-01. Review status: no assertion criteria provided. Collection method: literature only. Allele origin: germline. Affected: yes. Observed: 1 compound heterozygote. Study: Yale Center for Mendelian Genomics. Not counted in ClinVar's aggregate classification.

Dr. Peter K. Rogan Lab, Western University
No classification provided (evidence only). Condition: Colon adenocarcinoma. Review status: no classification provided. Collection method: in vitro. Allele origin: not applicable. Functional consequence: retained intron. Not counted in ClinVar's aggregate classification.

Dr. Peter K. Rogan Lab, Western University
No classification provided (evidence only). Condition: Ovarian serous cystadenocarcinoma. Review status: no classification provided. Collection method: in vitro. Allele origin: not applicable. Functional consequence: retained intron. Not counted in ClinVar's aggregate classification.

Literature cited by the submitters: PubMed 32979048 (cited by Labcorp Genetics (formerly Invitae), Labcorp and Yale Center for Mendelian Genomics, Yale University).

NM_004722.4(AP4M1):c.1100G>A (p.Arg367Gln)

Gene: AP4M1 (adaptor related protein complex 4 subunit mu 1; plus strand). Cytogenetic location: 7q22.1.
Variant type: single nucleotide variant.
Coding change: c.1100G>A on transcript NM_004722.4 (MANE Select); coding-DNA position 1100, G replaced by A.
Protein change: p.Arg367Gln; replaces arginine 367 with glutamine.
Molecular consequence: missense variant.
Genome position (GRCh38, 1-based): chr7:100,106,477, G>A. VCF-style: chr7-100106477-G-A. GRCh37 (hg19) VCF-style: chr7-99704100-G-A.
Other names: c.1121G>A, p.Arg374Gln (NM_001363671.2); short protein forms R367Q, R374Q.
Identifiers: ClinVar variation 386884 (VCV000386884.53), dbSNP rs139861201, ClinGen allele CA4374971.